The following is an entry in ClinVar:

ClinVar aggregate classification (germline): Likely pathogenic. Review status: criteria provided, multiple submitters, no conflicts (2 of 4 stars). 2 submissions from 2 submitters: Likely pathogenic (2). Last evaluated 2025-12-17.

Conditions:
Dyskeratosis congenita, autosomal recessive 5 (DKCB5). Identifiers: MedGen C3554656, MONDO:0014076, OMIM 615190.
Pulmonary fibrosis and/or bone marrow failure, Telomere-related, 3. Also called: PULMONARY FIBROSIS AND/OR BONE MARROW FAILURE SYNDROME, TELOMERE-RELATED, 3. Identifiers: Orphanet 2032, MedGen C4225346, MONDO:0014613, OMIM 616373.

Submissions (2):

Myriad Genetics, Inc.
Classification: Likely pathogenic for Dyskeratosis congenita, autosomal recessive 5. Last evaluated: 2025-12-17. Review status: criteria provided, single submitter. Criteria: Myriad Autosomal Dominant, Autosomal Recessive and X-Linked Classification Criteria (2023). Collection method: clinical testing. Allele origin: unknown.
Comment: NM_001283009.1(RTEL1):c.396-2A>G is a variant in a canonical splice site classified as likely pathogenic in the context of RTEL1-related disorders. c.396-2A>G has not been observed in cases with relevant disease. Relevant functional assessments of this variant are not available in the literature. c.396-2A>G has not been observed in referenced population frequency databases. In summary, NM_001283009.1(RTEL1):c.396-2A>G is a variant in a canonical splice site in a gene where loss of function is a known mechanism of disease and is predicted to disrupt protein function. Please note: this variant was assessed in the context of healthy population screening.

Labcorp Genetics (formerly Invitae), Labcorp
Classification: Likely pathogenic for Dyskeratosis congenita, autosomal recessive 5; Pulmonary fibrosis and/or bone marrow failure, Telomere-related, 3. Last evaluated: 2025-09-21. Review status: criteria provided, single submitter. Criteria: Invitae Variant Classification Sherloc (09022015). Collection method: clinical testing. Allele origin: germline.
Comment: This sequence change affects an acceptor splice site in intron 4 of the RTEL1 gene. It is expected to disrupt RNA splicing. Variants that disrupt the donor or acceptor splice site typically lead to a loss of protein function (PMID: 16199547), and loss-of-function variants in RTEL1 are known to be pathogenic (PMID: 23453664, 23959892, 25607374). This variant is not present in population databases (gnomAD no frequency). This variant has not been reported in the literature in individuals affected with RTEL1-related conditions. ClinVar contains an entry for this variant (Variation ID: 1963855). Algorithms developed to predict the effect of sequence changes on RNA splicing suggest that this variant may disrupt the consensus splice site. In summary, the currently available evidence indicates that the variant is pathogenic, but additional data are needed to prove that conclusively. Therefore, this variant has been classified as Likely Pathogenic.

Literature cited by the submitters: PubMed 16199547 (cited by Labcorp Genetics (formerly Invitae), Labcorp); PubMed 23453664 (cited by Labcorp Genetics (formerly Invitae), Labcorp); PubMed 23959892 (cited by Labcorp Genetics (formerly Invitae), Labcorp); PubMed 25607374 (cited by Labcorp Genetics (formerly Invitae), Labcorp).

NM_001283009.2(RTEL1):c.396-2A>G

Genes: RTEL1 (regulator of telomere elongation helicase 1; plus strand), RTEL1-TNFRSF6B (RTEL1-TNFRSF6B readthrough (NMD candidate); plus strand). Cytogenetic location: 20q13.33.
Variant type: single nucleotide variant.
Coding change: c.396-2A>G on transcript NM_001283009.2 (MANE Select); the canonical splice acceptor site of the intron before coding-DNA position 396, A replaced by G.
Molecular consequence: splice acceptor variant. On other transcripts: missense variant (1).
Genome position (GRCh38, 1-based): chr20:63,662,544, A>G. VCF-style: chr20-63662544-A-G. GRCh37 (hg19) VCF-style: chr20-62293897-A-G.
Other names: c.466A>G, p.Arg156Gly (NM_032957.5); c.-274-2A>G (NM_001283010.1); c.396-2A>G (NM_016434.4); short protein forms R156G.
Identifiers: ClinVar variation 1963855 (VCV001963855.6), dbSNP rs2516997767, ClinGen allele CA409669461.